The following continues an entry in ClinVar:

NM_001276345.2(TNNT2):c.601-1G>A

Gene: TNNT2. ClinVar aggregate classification (germline): Conflicting classifications of pathogenicity. Likely pathogenic (1); Uncertain significance (13); Benign (2); Likely benign (3).

Submissions 8 to 17 of 22:

Women's Health and Genetics/Laboratory Corporation of America, LabCorp
Classification: Uncertain significance. Last evaluated: 2024-07-18. Review status: criteria provided, single submitter. Criteria: LabCorp Variant Classification Summary - May 2015. Collection method: clinical testing. Allele origin: germline.
Comment: Variant summary: TNNT2 c.571-1G>A is located in a canonical splice-site and is predicted to affect mRNA splicing resulting in a significantly altered protein due to either exon skipping, shortening, or inclusion of intronic material. Computational tools predict a significant impact on normal splicing: Two predict the variant abolishes a canonical 3' acceptor site. Two predict the variant creates a cryptic 3' acceptor site, and one predicts the variant strengthens a 3' acceptor site. At least one publication reports experimental evidence that this variant affects mRNA splicing, however it reports that the variant results in an in-frame deletion of one amino acid (Van Driest_2004), which is consistent with the computation predictions. The variant allele was found at a frequency of 2e-05 in 249022 control chromosomes (gnomAD). The available data on variant occurrences in the general population are insufficient to allow any conclusion about variant significance. c.571-1G>A has been reported in the literature in individuals affected with Hypertrophic Cardiomyopathy or Dilated Cardiomyopathy without strong evidence of causality (e.g. Van Driest_2004, Rani_2014, Walsh_2017, McGurk_2023, Earle_2024). These reports do not provide unequivocal conclusions about association of the variant with Hypertrophic Cardiomyopathy. Co-occurrence with another pathogenic variant has been reported in one of these cases (MYH7 c.1357C>T, p.Arg453Cys), providing supporting evidence for a benign role. The following publications have been ascertained in the context of this evaluation (PMID: 15358028, 24992688, 27532257, 37652022, 38456273). ClinVar contains an entry for this variant (Variation ID: 132940). Based on the evidence outlined above, the variant was classified as uncertain significance.

All of Us Research Program, National Institutes of Health
Classification: Uncertain significance for Cardiomyopathy. Last evaluated: 2024-06-17. Review status: criteria provided, single submitter. Criteria: ACMG Guidelines, 2015. Collection method: clinical testing. Allele origin: germline. Inheritance: Autosomal dominant inheritance. Observed: 6 variant alleles, 6 heterozygotes.
Comment: This variant (also known as IVS11-1G>A) causes a G to A nucleotide substitution at the -1 position of intron 11 of the TNNT2 gene. Splice prediction tools suggest that this variant may impact RNA splicing. A functional study using patient-derived tissue for RNA analysis reported that this variant causes an in-frame deletion of one amino acid, however data was not shown (PMID: 15358028), and clinical relevance of this observation is unclear. This variant has been reported in eight individuals affected with hypertrophic cardiomyopathy (PMID: 15358028, 27532257, 30847666, 33495597, 37821546); one of these individuals also carried a pathogenic variant in the MYH7 gene (PMID: 15358028). This variant has also been reported in three individuals affected with dilated cardiomyopathy (PMID: 24992688, 31983221), in one individual affected with noncompaction cardiomyopathy (PMID: 33553264), and in three individuals affected with sudden unexplained death (PMID: 37821546). This variant has been identified in 5/249022 chromosomes in the general population by the Genome Aggregation Database (gnomAD). The available evidence is insufficient to determine the role of this variant in disease conclusively. Therefore, this variant is classified as a Variant of Uncertain Significance.

This study involves interpretation of variants in research participants for the purpose of population health screening. Participant phenotype was not available at the time of variant classification. Additional details can be found in publication PMID: 35346344, PMCID: PMC8962531

Ingles Lab, Garvan Institute Of Medical Research
Classification: Benign for Hypertrophic cardiomyopathy. Last evaluated: 2024-03-26. Review status: criteria provided, single submitter. Criteria: Kelly et al. (Genet Med. 2018). Collection method: curation, literature only. Allele origin: germline, not applicable. Inheritance: Autosomal dominant inheritance. Affected: yes. Observed: 28 variant alleles, 28 heterozygotes. Functional consequence: splice acceptor variant NMD escaping.
Comment: We identified TNNT2; NM_001001430.3: c.571-1G>A (rs483352835) in 2 probands. A total of 26 probands with a cardiac phenotype were reported (from clinical & research labs, ClinVar, and in Literature). Of these, 24 had a known cardiac phenotype, including 15 with HCM (including two diagnosed on autopsy following SCD), five with DCM (two presented at less than three years of age), three with sudden unexplained death, and one individual with high-burden premature ventricular contractions, syncope, and a family history of SCD. Four probands reported a family history of SCD in a close relative. Evidence of co-segregation with disease in families was reported for one family with HCM, with the variant identified in two affected relatives. At least four probands (15%) had an additional pathogenic variant that explained their cardiac phenotype. Ancestry was available for 22 probands, of which 21 probands were reported as having Oceanian ancestry, including Aotearoa New Zealand Māori, Samoan, Tongan, Polynesian, Pacific Islander, Australian Aboriginal and Torres Strait Islander, and Hawaiian. Among publicly available databases, TNNT2:c.571-1G>A (rs483352835) was present in gnomAD v4.0.0 in 13/780,762 (0.002%) alleles, with the highest sub-population frequencies among South Asian (5/74,486; 0.007%) and East Asian (1/41,260; 0.002%) alleles. Within Genome Asia 100K Project, the variant was present in 6/148 (4.1%) chromosomes in the Oceanian population, with a frequency of 2/4 (50%) chromosomes in the 2 Australian participants (one homozygote), and 4/140 (2.9%) in Papuan alleles. Among ancestry-relevant population sequencing data unavailable in the public domain, the variant was absent in the Taiwanese Biobank (0/3032; 0%). Within the Pacific Islands Rheumatic Heart Disease Genetics Network, the variant was present at a frequency of 0.088 (8.8%) within the Polynesian sub-group and 0.035 (3.5%) across the wider group, including Melanesians and South Asians. In a genome sequencing dataset (low-pass sequencing followed by imputation), of participants of Aotearoa New Zealand Māori and Pacific Islander ancestry recruited to a Health and Disability study, the variant was present at an allele frequency of 4.0% in East Polynesian individuals (n=139), and 3.6% among West Polynesian individuals (n=55). Based on the ACMG/AMP guidelines, which consider a minor allele frequency over 0.05 as benign (BA1 criterion), we classify the variant as benign. Given that 16 ClinVar assertions report this as a variant of uncertain significance, this classification downgrade will have a clinically meaningful impact.

GeneDx
Classification: Uncertain significance. Last evaluated: 2023-05-03. Review status: criteria provided, single submitter. Criteria: GeneDx Variant Classification Process June 2021. Collection method: clinical testing. Allele origin: germline. Affected: yes.
Comment: Identified in patients with HCM and DCM in published literature (Van Driest et al., 2004; Rani et al., 2014; Walsh et al., 2017; Mazzarotto et al., 2020); at least one patient harbored an additional pathogenic variant in a cardiomyopathy-related gene; Not observed at significant frequency in large population cohorts (gnomAD); Canonical splice site variant in a gene or region of a gene for which loss of function is not a well-established mechanism of disease; This variant is associated with the following publications: (PMID: 24992688, 27532257, 15358028, 31983221)

Genome-Nilou Lab
Classification: Uncertain significance for Dilated cardiomyopathy 1D. Last evaluated: 2023-04-11. Review status: criteria provided, single submitter. Criteria: ACMG Guidelines, 2015. Collection method: clinical testing. Allele origin: germline. Affected: no.

Genome-Nilou Lab
Classification: Uncertain significance for Cardiomyopathy, familial restrictive, 3. Last evaluated: 2023-04-11. Review status: criteria provided, single submitter. Criteria: ACMG Guidelines, 2015. Collection method: clinical testing. Allele origin: germline. Affected: no.

Genome-Nilou Lab
Classification: Uncertain significance for Hypertrophic cardiomyopathy 2. Last evaluated: 2023-04-11. Review status: criteria provided, single submitter. Criteria: ACMG Guidelines, 2015. Collection method: clinical testing. Allele origin: germline. Affected: no.

AiLife Diagnostics
Classification: Uncertain significance. Last evaluated: 2022-01-27. Review status: criteria provided, single submitter. Criteria: ACMG Guidelines, 2015. Collection method: clinical testing. Allele origin: germline. Affected: yes. Observed: 1 variant allele.

Ambry Genetics
Classification: Uncertain significance for Cardiovascular phenotype. Last evaluated: 2021-10-12. Review status: criteria provided, single submitter. Criteria: Ambry Variant Classification Scheme 2023. Collection method: clinical testing. Allele origin: germline.
Comment: The c.571-1G>A intronic alteration consists of a G to A substitution 1 nucleotides before coding exon 11 in the TNNT2 gene. Based on insufficient or conflicting evidence, the clinical significance of this alteration remains unclear.

Fulgent Genetics
Classification: Uncertain significance for Hypertrophic cardiomyopathy 2; Dilated cardiomyopathy 1D; Cardiomyopathy, familial restrictive, 3. Last evaluated: 2021-10-09. Review status: criteria provided, single submitter. Criteria: ACMG Guidelines, 2015. Collection method: clinical testing. Allele origin: unknown.